The following is an entry in ClinVar:

NM_053025.4(MYLK):c.2515G>A (p.Asp839Asn)

Gene: MYLK (myosin light chain kinase; minus strand). Cytogenetic location: 3q21.1.
Variant type: single nucleotide variant.
Coding change: c.2515G>A on transcript NM_053025.4 (MANE Select); coding-DNA position 2515, G replaced by A.
Protein change: p.Asp839Asn; replaces aspartic acid 839 with asparagine.
Molecular consequence: missense variant.
Genome position (GRCh38, 1-based): chr3:123,700,953, C>T on the plus strand (G>A on the coding strand, the complement: MYLK is on the minus strand). VCF-style: chr3-123700953-C-T. GRCh37 (hg19) VCF-style: chr3-123419800-C-T.
Other names: c.1987G>A, p.Asp663Asn (NM_001321309.2); c.2308G>A, p.Asp770Asn (NM_053026.4, NM_053028.4); c.2515G>A, p.Asp839Asn (NM_053027.4); short protein forms D770N, D839N, D663N.
Identifiers: ClinVar variation 4764153 (VCV004764153.1).

ClinVar aggregate classification (germline): Uncertain significance (1 of 4 stars; one submission).

Conditions:
Aortic aneurysm, familial thoracic 7 (AAT7). Also called: AORTIC DISSECTION, FAMILIAL, WITH OR WITHOUT AORTIC ANEURYSM. Identifiers: MedGen C3151077, MONDO:0013418, OMIM 613780.

gnomAD v4.1: 2 of 1,610,302 alleles (0.00012%); highest among the groups gnomAD compares: African/African-American, 0.0027%; no homozygotes.

Submission:

Labcorp Genetics (formerly Invitae), Labcorp
Classification: Uncertain significance for Aortic aneurysm, familial thoracic 7. Last evaluated: 2025-07-08. Review status: criteria provided, single submitter. Criteria: Invitae Variant Classification Sherloc (09022015). Collection method: clinical testing. Allele origin: germline.
Comment: This sequence change replaces aspartic acid, which is acidic and polar, with asparagine, which is neutral and polar, at codon 839 of the MYLK protein (p.Asp839Asn). This variant is not present in population databases (gnomAD no frequency). This variant has not been reported in the literature in individuals affected with MYLK-related conditions. Invitae Evidence Modeling of protein sequence and biophysical properties (such as structural, functional, and spatial information, amino acid conservation, physicochemical variation, residue mobility, and thermodynamic stability) indicates that this missense variant is not expected to disrupt MYLK protein function with a negative predictive value of 95%. In summary, the available evidence is currently insufficient to determine the role of this variant in disease. Therefore, it has been classified as a Variant of Uncertain Significance.